The following is an entry in ClinVar:

ClinVar aggregate classification (germline): Pathogenic (1 of 4 stars; one submission).

Conditions:
Glycogen storage disease, type II (IOPD). Also called: Pompe Disease; Glucosidase acid-1,4-alpha deficiency; CARDIOMEGALIA GLYCOGENICA DIFFUSA; POMPE DISEASE, INFANTILE-ONSET; GLYCOGEN STORAGE DISEASE II, INFANTILE-ONSET; ACID ALPHA-GLUCOSIDASE DEFICIENCY, INFANTILE-ONSET. Identifiers: Orphanet 365, MedGen C0017921, MONDO:0009290, OMIM 232300.

Submission:

Labcorp Genetics (formerly Invitae), Labcorp
Classification: Pathogenic for Glycogen storage disease, type II. Last evaluated: 2022-03-28. Review status: criteria provided, single submitter. Criteria: Invitae Variant Classification Sherloc (09022015). Collection method: clinical testing. Allele origin: germline.
Comment: This sequence change creates a premature translational stop signal (p.Trp772Glyfs*9) in the GAA gene. It is expected to result in an absent or disrupted protein product. Loss-of-function variants in GAA are known to be pathogenic (PMID: 18425781, 22252923). This variant is not present in population databases (gnomAD no frequency). This variant has not been reported in the literature in individuals affected with GAA-related conditions. Algorithms developed to predict the effect of sequence changes on RNA splicing suggest that this variant may disrupt the consensus splice site. For these reasons, this variant has been classified as Pathogenic.

Literature cited by the submitters: PubMed 18425781; PubMed 22252923.

NM_000152.5(GAA):c.2314del (p.Trp772fs)

Gene: GAA (alpha glucosidase; plus strand). Cytogenetic location: 17q25.3.
Variant type: Deletion.
Coding change: c.2314del on transcript NM_000152.5 (MANE Select); coding-DNA position 2314, one base deleted (T; older notation c.2314delT).
Protein change: p.Trp772fs; shifts the reading frame from tryptophan 772.
Molecular consequence: frameshift variant.
Genome position (GRCh38, 1-based): chr17:80,117,092, T deleted. VCF-style (leftmost placement, unchanged base first): chr17-80117091-AT-A. GRCh37 (hg19) VCF-style: chr17-78090890-AT-A.
Other names: c.2314del, p.Trp772fs (NM_001079803.3, NM_001079804.3); c.2314delT, p.Trp772Glyfs (NM_001406741.1, NM_001406742.1); short protein forms W772fs.
Identifiers: ClinVar variation 2111262 (VCV002111262.4), dbSNP rs2510396866, ClinGen allele CA2580095270.